The following is an entry in ClinVar:

ClinVar aggregate classification (germline): Likely benign (0 of 4 stars; one submission).

Conditions:
HIVEP3-related disorder. Also called: HIVEP3-related condition.

Allele frequency attached by ClinVar (database versions not stated): 1000 Genomes Project 0.00080; TOPMed 0.00088; 1000 Genomes Project 30x 0.00094; gnomAD 0.00106; ESP Exome Variant Server 0.00108; ExAC 0.00164.
gnomAD v4.1: 2,196 of 1,613,490 alleles (0.14%); highest among the groups gnomAD compares: Non-Finnish European, 0.15%; 1 homozygote.

Submission:

PreventionGenetics, part of Exact Sciences
Classification: Likely benign for HIVEP3-related condition. Last evaluated: 2020-01-17. Review status: no assertion criteria provided. Collection method: clinical testing. Allele origin: germline.
Comment: This variant is classified as likely benign based on ACMG/AMP sequence variant interpretation guidelines (Richards et al. 2015 PMID: 25741868, with internal and published modifications).

NM_024503.5(HIVEP3):c.3099G>A (p.Ala1033=)

Gene: HIVEP3 (HIVEP zinc finger 3; minus strand). Cytogenetic location: 1p34.2.
Variant type: single nucleotide variant.
Coding change: c.3099G>A on transcript NM_024503.5 (MANE Select); coding-DNA position 3099, G replaced by A.
Protein change: p.Ala1033=; no amino-acid change (alanine 1033 retained).
Molecular consequence: synonymous variant.
Genome position (GRCh38, 1-based): chr1:41,581,699, C>T on the plus strand (G>A on the coding strand, the complement: HIVEP3 is on the minus strand). VCF-style: chr1-41581699-C-T. GRCh37 (hg19) VCF-style: chr1-42047370-C-T.
Other names: c.3099G>A, p.Ala1033= (NM_001127714.3).
Identifiers: ClinVar variation 3040900 (VCV003040900.2), dbSNP rs41269475, ClinGen allele CA797920.
Genomic context (GRCh38, chr1:41,581,699, plus strand): 5'-CCTGCTCAGAGAGGCCTGTCTCACCAAGAAGCATTTTCTTCTCTCTGGCGGGGCCACCCG[C>T]GCTGGTGGAGCCACTGGGGCTGGAGCAGAAGGGCCTGTCAAGGACAAGCTGCCATAGTCA-3'
Protein context (NP_078779.2, residues 1023-1043): PSAPAPVAPP[Ala1033=]RVAPPERRKC